The following is an entry in ClinVar:

NM_001127222.2(CACNA1A):c.1547A>C (p.Asp516Ala)

Gene: CACNA1A (calcium voltage-gated channel subunit alpha1 A; minus strand). Cytogenetic location: 19p13.13.
Variant type: single nucleotide variant.
Coding change: c.1547A>C on transcript NM_001127222.2 (MANE Select); coding-DNA position 1547, A replaced by C.
Protein change: p.Asp516Ala; replaces aspartic acid 516 with alanine.
Molecular consequence: missense variant.
Genome position (GRCh38, 1-based): chr19:13,317,120, T>G on the plus strand (A>C on the coding strand, the complement: CACNA1A is on the minus strand). VCF-style: chr19-13317120-T-G. GRCh37 (hg19) VCF-style: chr19-13427934-T-G.
Other names: c.1550A>C, p.Asp517Ala (NM_000068.4, NM_001127221.2, NM_001174080.2 and 1 more transcripts); short protein forms D517A, D516A.
Identifiers: ClinVar variation 2950622 (VCV002950622.3), dbSNP rs2512982617, ClinGen allele CA404345570.

ClinVar aggregate classification (germline): Uncertain significance (1 of 4 stars; one submission).

Conditions:
Episodic ataxia type 2 (EA2). Also called: CEREBELLAR ATAXIA, PAROXYSMAL, ACETAZOLAMIDE-RESPONSIVE; CEREBELLOPATHY, HEREDITARY PAROXYSMAL; EPISODIC ATAXIA, NYSTAGMUS-ASSOCIATED; ACETAZOLAMIDE-RESPONSIVE HEREDITARY PAROXYSMAL CEREBELLAR ATAXIA; ATAXIA, EPISODIC, WITH NYSTAGMUS; ATAXIA, FAMILIAL PAROXYSMAL. Identifiers: Orphanet 97, MedGen C1720416, MONDO:0007163, OMIM 108500.
Developmental and epileptic encephalopathy, 42 (DEE42A). Also called: Epileptic encephalopathy, early infantile, 42; DEVELOPMENTAL AND EPILEPTIC ENCEPHALOPATHY 42A; EPILEPTIC ENCEPHALOPATHY, EARLY INFANTILE, 42A. Identifiers: MedGen C4310716, MONDO:0014917, OMIM 617106.

Submission:

Labcorp Genetics (formerly Invitae), Labcorp
Classification: Uncertain significance for Developmental and epileptic encephalopathy, 42; Episodic ataxia type 2. Last evaluated: 2023-08-03. Review status: criteria provided, single submitter. Criteria: Invitae Variant Classification Sherloc (09022015). Collection method: clinical testing. Allele origin: germline.
Comment: This sequence change replaces aspartic acid, which is acidic and polar, with alanine, which is neutral and non-polar, at codon 517 of the CACNA1A protein (p.Asp517Ala). In summary, the available evidence is currently insufficient to determine the role of this variant in disease. Therefore, it has been classified as a Variant of Uncertain Significance. Advanced modeling of protein sequence and biophysical properties (such as structural, functional, and spatial information, amino acid conservation, physicochemical variation, residue mobility, and thermodynamic stability) has been performed at Invitae for this missense variant, however the output from this modeling did not meet the statistical confidence thresholds required to predict the impact of this variant on CACNA1A protein function. This variant has not been reported in the literature in individuals affected with CACNA1A-related conditions. This variant is not present in population databases (gnomAD no frequency).